The following is an entry in ClinVar:

NM_005327.7(HADH):c.710-857C>T

Gene: HADH (hydroxyacyl-CoA dehydrogenase; plus strand). Cytogenetic location: 4q25.
Variant type: single nucleotide variant.
Coding change: c.710-857C>T on transcript NM_005327.7 (MANE Select); 857 bases into the intron before coding-DNA position 710, C replaced by T.
Molecular consequence: intron variant.
Genome position (GRCh38, 1-based): chr4:108,032,319, C>T. VCF-style: chr4-108032319-C-T. GRCh37 (hg19) VCF-style: chr4-108953475-C-T.
Other names: c.710-8C>T (NM_001184705.4); c.722-857C>T (NM_001331027.2).
Identifiers: ClinVar variation 3038120 (VCV003038120.3), dbSNP rs371652531, ClinGen allele CA3037570.

ClinVar aggregate classification (germline): Likely benign. Review status: criteria provided, single submitter (1 of 4 stars). 2 submissions from 2 submitters: Likely benign (1). 1 of the submissions does not count toward it. Last evaluated 2024-10-17.

Conditions:
HADH-related disorder. Also called: HADH-related condition.

Allele frequency attached by ClinVar (database versions not stated): gnomAD 0.00013; ExAC 0.00015; TOPMed 0.00015; ESP Exome Variant Server 0.00017; gnomAD exomes 0.00021.
gnomAD v4.1: 320 of 1,583,006 alleles (0.02%); highest among the groups gnomAD compares: Admixed American, 0.03%; no homozygotes.

Submissions (2):

Blueprint Genetics
Classification: Likely benign. Last evaluated: 2024-10-17. Review status: criteria provided, single submitter. Criteria: ACMG Guidelines, 2015. Collection method: clinical testing. Allele origin: germline.

PreventionGenetics, part of Exact Sciences
Classification: Likely benign for HADH-related condition. Last evaluated: 2020-01-03. Review status: no assertion criteria provided. Collection method: clinical testing. Allele origin: germline. Not counted in ClinVar's aggregate classification.
Comment: This variant is classified as likely benign based on ACMG/AMP sequence variant interpretation guidelines (Richards et al. 2015 PMID: 25741868, with internal and published modifications).